The following is an entry in ClinVar:

NM_003055.3(SLC18A3):c.299C>A (p.Ser100Tyr)

Genes: CHAT (choline O-acetyltransferase; plus strand), SLC18A3 (solute carrier family 18 member A3; plus strand). Cytogenetic location: 10q11.23.
Variant type: single nucleotide variant.
Coding change: c.299C>A on transcript NM_003055.3 (MANE Select); coding-DNA position 299, C replaced by A.
Protein change: p.Ser100Tyr; replaces serine 100 with tyrosine.
Molecular consequence: missense variant. On other transcripts: intron variant (1).
Genome position (GRCh38, 1-based): chr10:49,611,039, C>A. VCF-style: chr10-49611039-C-A. GRCh37 (hg19) VCF-style: chr10-50819085-C-A.
Other names: c.-69+1840C>A (NM_020984.4); short protein forms S100Y.
Identifiers: ClinVar variation 3955490 (VCV003955490.2).

ClinVar aggregate classification (germline): Uncertain significance. Review status: criteria provided, multiple submitters, no conflicts (2 of 4 stars). 2 submissions from 2 submitters: Uncertain significance (2). Last evaluated 2025-09-17.

Conditions:
Inborn genetic diseases. Identifiers: MedGen C0950123, MeSH D030342.

gnomAD v4.1: 1 of 1,613,886 alleles (0.000062%); highest among the groups gnomAD compares: Non-Finnish European, 0.000085%; no homozygotes.

Submissions (2):

Labcorp Genetics (formerly Invitae), Labcorp
Classification: Uncertain significance. Last evaluated: 2025-09-17. Review status: criteria provided, single submitter. Criteria: Invitae Variant Classification Sherloc (09022015). Collection method: clinical testing. Allele origin: germline.
Comment: This sequence change replaces serine, which is neutral and polar, with tyrosine, which is neutral and polar, at codon 100 of the SLC18A3 protein (p.Ser100Tyr). This variant is present in population databases (rs375693441, gnomAD 0.007%). This variant has not been reported in the literature in individuals affected with SLC18A3-related conditions. ClinVar contains an entry for this variant (Variation ID: 3955490). An algorithm developed to predict the effect of missense changes on protein structure and function (PolyPhen-2) suggests that this variant is likely to be tolerated. In summary, the available evidence is currently insufficient to determine the role of this variant in disease. Therefore, it has been classified as a Variant of Uncertain Significance.

Ambry Genetics
Classification: Uncertain significance for Inborn genetic diseases. Last evaluated: 2025-04-01. Review status: criteria provided, single submitter. Criteria: Ambry Variant Classification Scheme 2023. Collection method: clinical testing. Allele origin: germline.